The following is an entry in ClinVar:

ClinVar aggregate classification (germline): Uncertain significance. Review status: criteria provided, multiple submitters, no conflicts (2 of 4 stars). 7 submissions from 6 submitters: Uncertain significance (6). 1 of the submissions does not count toward it. Last evaluated 2025-06-01.

Conditions:
Usher syndrome type 2A. Also called: RETINAL DISEASE IN USHER SYNDROME TYPE IIA, MODIFIER OF; USHER SYNDROME, TYPE IIA. Identifiers: Orphanet 231178, Orphanet 886, MedGen C1848634, MONDO:0010169, OMIM 276901.
Retinitis pigmentosa 39 (RP39). Identifiers: Orphanet 791, MedGen C3151138, MONDO:0013436, OMIM 613809.

Allele frequency attached by ClinVar (database versions not stated): gnomAD 0.00001; TOPMed 0.00002.
gnomAD v4.1: 2 of 1,614,022 alleles (0.00012%); highest among the groups gnomAD compares: Admixed American, 0.0017%; no homozygotes.

Submissions (7):

Labcorp Genetics (formerly Invitae), Labcorp
Classification: Uncertain significance. Last evaluated: 2025-06-01. Review status: criteria provided, single submitter. Criteria: Invitae Variant Classification Sherloc (09022015). Collection method: clinical testing. Allele origin: germline.
Comment: This sequence change replaces isoleucine, which is neutral and non-polar, with methionine, which is neutral and non-polar, at codon 4474 of the USH2A protein (p.Ile4474Met). This variant is not present in population databases (gnomAD no frequency). This missense change has been observed in individual(s) with clinical features of an inherited retinal dystrophy (PMID: 32037395). ClinVar contains an entry for this variant (Variation ID: 1016248). Invitae Evidence Modeling of protein sequence and biophysical properties (such as structural, functional, and spatial information, amino acid conservation, physicochemical variation, residue mobility, and thermodynamic stability) indicates that this missense variant is not expected to disrupt USH2A protein function with a negative predictive value of 95%. In summary, the available evidence is currently insufficient to determine the role of this variant in disease. Therefore, it has been classified as a Variant of Uncertain Significance.

Genome-Nilou Lab
Classification: Uncertain significance for Retinitis pigmentosa 39. Last evaluated: 2023-11-04. Review status: criteria provided, single submitter. Criteria: ACMG Guidelines, 2015. Collection method: clinical testing. Allele origin: germline. Affected: no.

Genome-Nilou Lab
Classification: Uncertain significance for Usher syndrome type 2A. Last evaluated: 2023-11-04. Review status: criteria provided, single submitter. Criteria: ACMG Guidelines, 2015. Collection method: clinical testing. Allele origin: germline. Affected: no.

Blueprint Genetics
Classification: Uncertain significance. Last evaluated: 2022-09-29. Review status: criteria provided, single submitter. Criteria: ACMG Guidelines, 2015. Collection method: clinical testing. Allele origin: germline.

GeneDx
Classification: Uncertain significance. Last evaluated: 2022-05-06. Review status: criteria provided, single submitter. Criteria: GeneDx Variant Classification Process June 2021. Collection method: clinical testing. Allele origin: germline. Affected: yes.
Comment: Observed with a second USH2A variant, both in the homozygous state, in a patient with retinal degeneration in published literature (Zampaglione et al., 2020); Not observed at significant frequency in large population cohorts (gnomAD); In silico analysis supports that this missense variant does not alter protein structure/function; This variant is associated with the following publications: (PMID: 32037395)

Fulgent Genetics
Classification: Uncertain significance for Usher syndrome type 2A; Retinitis pigmentosa 39. Last evaluated: 2021-07-29. Review status: criteria provided, single submitter. Criteria: ACMG Guidelines, 2015. Collection method: clinical testing. Allele origin: unknown.

Natera, Inc.
Classification: Uncertain significance for Usher syndrome type 2A. Last evaluated: 2021-03-19. Review status: no assertion criteria provided. Collection method: clinical testing. Allele origin: germline. Not counted in ClinVar's aggregate classification.

Literature cited by the submitters: PubMed 32037395 (cited by Labcorp Genetics (formerly Invitae), Labcorp).

NM_206933.4(USH2A):c.13422C>G (p.Ile4474Met)

Gene: USH2A (usherin; minus strand). Cytogenetic location: 1q41.
Variant type: single nucleotide variant.
Coding change: c.13422C>G on transcript NM_206933.4 (MANE Select); coding-DNA position 13422, C replaced by G.
Protein change: p.Ile4474Met; replaces isoleucine 4474 with methionine.
Molecular consequence: missense variant.
Genome position (GRCh38, 1-based): chr1:215,674,489, G>C on the plus strand (C>G on the coding strand, the complement: USH2A is on the minus strand). VCF-style: chr1-215674489-G-C. GRCh37 (hg19) VCF-style: chr1-215847831-G-C.
Other names: c.13422C>G (NM_206933.2); short protein forms I4474M.
Identifiers: ClinVar variation 1016248 (VCV001016248.12), dbSNP rs1453273341, ClinGen allele CA344845296.